The following is an entry in ClinVar:

NM_025114.4(CEP290):c.2484-2A>C

Gene: CEP290 (centrosomal protein 290; minus strand). Cytogenetic location: 12q21.32.
Variant type: single nucleotide variant.
Coding change: c.2484-2A>C on transcript NM_025114.4 (MANE Select); the canonical splice acceptor site of the intron before coding-DNA position 2484, A replaced by C.
Molecular consequence: splice acceptor variant.
Genome position (GRCh38, 1-based): chr12:88,107,100, T>G on the plus strand (A>C on the coding strand, the complement: CEP290 is on the minus strand). VCF-style: chr12-88107100-T-G. GRCh37 (hg19) VCF-style: chr12-88500877-T-G.
Other names: c.2484-2A>C (NM_025114.3).
Identifiers: ClinVar variation 2947348 (VCV002947348.5), dbSNP rs1555217024, ClinGen allele CA385972295.

ClinVar aggregate classification (germline): Pathogenic/Likely pathogenic. Review status: criteria provided, multiple submitters, no conflicts (2 of 4 stars). 3 submissions from 3 submitters: Pathogenic (1); Likely pathogenic (2). Last evaluated 2025-05-18.

Conditions:
CEP290-related disorder. Also called: CEP290-related disorders; CEP290-related condition. Identifiers: MedGen CN239314.
Meckel-Gruber syndrome. Also called: Dysencephalia splachnocystica; DYSENCEPHALIA SPLANCHNOCYSTICA; GRUBER SYNDROME. Identifiers: Orphanet 564, MedGen C0265215, MONDO:0018921.
Joubert syndrome. Also called: Familial aplasia of the vermis; JOUBERT-BOLTSHAUSER SYNDROME. Identifiers: Orphanet 475, MedGen C5979921, MONDO:0018772.
Nephronophthisis. Also called: Juvenile Nephronophthisis. Identifiers: Orphanet 655, MedGen C0687120, MONDO:0019005, HP:0000090.
Leber congenital amaurosis (LCA). Also called: Leber's amaurosis. Identifiers: Orphanet 65, MedGen C0339527, MeSH D057130, MONDO:0018998.

Submissions (3):

PreventionGenetics, part of Exact Sciences
Classification: Likely pathogenic for CEP290-related condition. Last evaluated: 2025-05-18. Review status: criteria provided, single submitter. Criteria: ACMG Guidelines, 2015. Collection method: clinical testing. Allele origin: germline.
Comment: The CEP290 c.2484-2A>C variant is predicted to disrupt the AG splice acceptor site and interfere with normal splicing. To our knowledge, this variant has not been reported in the literature or in a large population database, indicating this variant is rare. Variants that disrupt the consensus splice acceptor site in CEP290 are expected to be pathogenic and a different nucleotide substitution at this same position (c.2484-2A>G) has been reported in the compound heterozygous state in an individual with Leber congenital amaurosis (Table 4, Wang et al. 2015. PubMed ID: 26047050). This variant is interpreted as likely pathogenic.

Natera, Inc.
Classification: Likely pathogenic for Leber congenital amaurosis. Last evaluated: 2024-12-06. Review status: criteria provided, single submitter. Criteria: Natera Variant Classification Schema (03/2026). Collection method: clinical testing. Allele origin: germline.
Comment: The c.2484-2A>C variant in CEP290 is a canonical splice acceptor site variant predicted to affect pre-mRNA splicing, which may result in an abnormal transcript and altered protein product. This variant is expected to result in nonsense mediated decay, truncation, or a dysfunctional protein product. This variant is rare in the general population with a frequency below the threshold expected for the associated phenotype(s). Given the available evidence, this variant is classified as Likely Pathogenic.

Labcorp Genetics (formerly Invitae), Labcorp
Classification: Pathogenic for Joubert syndrome; Meckel-Gruber syndrome; Nephronophthisis. Last evaluated: 2023-05-01. Review status: criteria provided, single submitter. Criteria: Invitae Variant Classification Sherloc (09022015). Collection method: clinical testing. Allele origin: germline.
Comment: This sequence change affects an acceptor splice site in intron 23 of the CEP290 gene. It is expected to disrupt RNA splicing. Variants that disrupt the donor or acceptor splice site typically lead to a loss of protein function (PMID: 16199547), and loss-of-function variants in CEP290 are known to be pathogenic (PMID: 16909394, 17345604, 20690115). This variant is not present in population databases (gnomAD no frequency). Disruption of this splice site has been observed in individual(s) with Leber congenital amaurosis (PMID: 26047050, 34031707). In at least one individual the data is consistent with being in trans (on the opposite chromosome) from a pathogenic variant. Algorithms developed to predict the effect of sequence changes on RNA splicing suggest that this variant may disrupt the consensus splice site. For these reasons, this variant has been classified as Pathogenic.

Literature cited by the submitters: PubMed 16199547 (cited by Labcorp Genetics (formerly Invitae), Labcorp); PubMed 16909394 (cited by Labcorp Genetics (formerly Invitae), Labcorp); PubMed 17345604 (cited by Labcorp Genetics (formerly Invitae), Labcorp); PubMed 20690115 (cited by Labcorp Genetics (formerly Invitae), Labcorp); PubMed 26047050 (cited by Labcorp Genetics (formerly Invitae), Labcorp); PubMed 34031707 (cited by Labcorp Genetics (formerly Invitae), Labcorp).